The following is an entry in ClinVar:

ClinVar aggregate classification (germline): Uncertain significance (1 of 4 stars; one submission).

Conditions:
Hereditary diffuse gastric adenocarcinoma (HDGC). Also called: DIFFUSE GASTRIC AND LOBULAR BREAST CANCER SYNDROME. Identifiers: Orphanet 26106, MedGen C1708349, MONDO:0007648, OMIM 137215.

Submission:

Labcorp Genetics (formerly Invitae), Labcorp
Classification: Uncertain significance for Hereditary diffuse gastric adenocarcinoma. Last evaluated: 2024-04-29. Review status: criteria provided, single submitter. Criteria: Invitae Variant Classification Sherloc (09022015). Collection method: clinical testing. Allele origin: germline.
Comment: This sequence change replaces glycine, which is neutral and non-polar, with glutamic acid, which is acidic and polar, at codon 421 of the CDH1 protein (p.Gly421Glu). This variant is not present in population databases (gnomAD no frequency). This variant has not been reported in the literature in individuals affected with CDH1-related conditions. ClinVar contains an entry for this variant (Variation ID: 1499378). Algorithms developed to predict the effect of missense changes on protein structure and function output the following: SIFT: "Not Available"; PolyPhen-2: "Benign"; Align-GVGD: "Not Available". The glutamic acid amino acid residue is found in multiple mammalian species, which suggests that this missense change does not adversely affect protein function. In summary, the available evidence is currently insufficient to determine the role of this variant in disease. Therefore, it has been classified as a Variant of Uncertain Significance.

NM_004360.5(CDH1):c.1262G>A (p.Gly421Glu)

Gene: CDH1 (cadherin 1; plus strand). Cytogenetic location: 16q22.1.
Variant type: single nucleotide variant.
Coding change: c.1262G>A on transcript NM_004360.5 (MANE Select); coding-DNA position 1262, G replaced by A.
Protein change: p.Gly421Glu; replaces glycine 421 with glutamic acid.
Molecular consequence: missense variant. On other transcripts: 5 prime UTR variant (2), intron variant (1).
Genome position (GRCh38, 1-based): chr16:68,813,437, G>A. VCF-style: chr16-68813437-G-A. GRCh37 (hg19) VCF-style: chr16-68847340-G-A.
Other names: c.-354G>A (NM_001317185.2); c.-558G>A (NM_001317186.2); c.1137+1174G>A (NM_001317184.2); short protein forms G421E.
Identifiers: ClinVar variation 1499378 (VCV001499378.8), dbSNP rs2152133559, ClinGen allele CA396461629.